The following is an entry in ClinVar:

ClinVar aggregate classification (germline): Likely benign. Review status: criteria provided, multiple submitters, no conflicts (2 of 4 stars). 2 submissions from 2 submitters: Likely benign (2). Last evaluated 2023-07-22.

Conditions:
Catecholaminergic polymorphic ventricular tachycardia 1. Also called: VENTRICULAR TACHYCARDIA, CATECHOLAMINERGIC POLYMORPHIC, 1, WITH OR WITHOUT ATRIAL DYSFUNCTION AND/OR DILATED CARDIOMYOPATHY; VENTRICULAR TACHYCARDIA, STRESS-INDUCED POLYMORPHIC 1; RYR2-Related Catecholaminergic Polymorphic Ventricular Tachycardia. Identifiers: Orphanet 3286, MedGen C1631597, MONDO:0011484, OMIM 604772.
Catecholaminergic polymorphic ventricular tachycardia (CVPT). Also called: Catecholamine-induced polymorphic ventricular tachycardia. Identifiers: Orphanet 3286, MedGen C5574922, MONDO:0017990.

Allele frequency attached by ClinVar (database versions not stated): TOPMed below 0.00001; gnomAD 0.00001.
gnomAD v4.1: 1 of 1,613,926 alleles (0.000062%); highest among the groups gnomAD compares: Non-Finnish European, 0.000085%; no homozygotes.

Submissions (2):

Labcorp Genetics (formerly Invitae), Labcorp
Classification: Likely benign for Catecholaminergic polymorphic ventricular tachycardia 1. Last evaluated: 2023-07-22. Review status: criteria provided, single submitter. Criteria: Invitae Variant Classification Sherloc (09022015). Collection method: clinical testing. Allele origin: germline.

All of Us Research Program, National Institutes of Health
Classification: Likely benign for Catecholaminergic polymorphic ventricular tachycardia. Last evaluated: 2023-06-26. Review status: criteria provided, single submitter. Criteria: ACMG Guidelines, 2015. Collection method: clinical testing. Allele origin: germline. Inheritance: Autosomal dominant inheritance. Observed: 1 variant allele, 1 heterozygote.
Comment: This study involves interpretation of variants in research participants for the purpose of population health screening. Participant phenotype was not available at the time of variant classification. Additional details can be found in publication PMID: 35346344, PMCID: PMC8962531

NM_001035.3(RYR2):c.2367T>C (p.Phe789=)

Gene: RYR2 (ryanodine receptor 2; plus strand). Cytogenetic location: 1q43.
Variant type: single nucleotide variant.
Coding change: c.2367T>C on transcript NM_001035.3 (MANE Select); coding-DNA position 2367, T replaced by C.
Protein change: p.Phe789=; no amino-acid change (phenylalanine 789 retained).
Molecular consequence: synonymous variant.
Genome position (GRCh38, 1-based): chr1:237,500,874, T>C. VCF-style: chr1-237500874-T-C. GRCh37 (hg19) VCF-style: chr1-237664174-T-C.
Identifiers: ClinVar variation 3003142 (VCV003003142.4), dbSNP rs1264927690, ClinGen allele CA423817723.
Genomic context (GRCh38, chr1:237,500,874, plus strand): 5'-AATTAATGGACAACCTGTTCAAGGAATGTTTGAGAATTTCAACATCGATGGCCTCTTCTT[T>C]CCAGTCGTTAGTTTCTCTGCAGGAATAAAGTTAGTATGTCTATGTTTTTTGGTCTCTTTC-3'
Protein context (NP_001026.2, residues 779-799): FENFNIDGLF[Phe789=]PVVSFSAGIK